The following is an entry in ClinVar:

NM_001042681.2(RERE):c.4354G>A (p.Val1452Ile)

Gene: RERE (arginine-glutamic acid dipeptide repeats; minus strand). Cytogenetic location: 1p36.23.
Variant type: single nucleotide variant.
Coding change: c.4354G>A on transcript NM_001042681.2 (MANE Select); coding-DNA position 4354, G replaced by A.
Protein change: p.Val1452Ile; replaces valine 1452 with isoleucine.
Molecular consequence: missense variant.
Genome position (GRCh38, 1-based): chr1:8,356,232, C>T on the plus strand (G>A on the coding strand, the complement: RERE is on the minus strand). VCF-style: chr1-8356232-C-T. GRCh37 (hg19) VCF-style: chr1-8416292-C-T.
Other names: c.2692G>A, p.Val898Ile (NM_001042682.2); c.4354G>A, p.Val1452Ile (NM_012102.4); short protein forms V1452I, V898I.
Identifiers: ClinVar variation 982578 (VCV000982578.4), dbSNP rs751496233, ClinGen allele CA570813.

ClinVar aggregate classification (germline): Uncertain significance. Review status: criteria provided, multiple submitters, no conflicts (2 of 4 stars). 2 submissions from 2 submitters: Uncertain significance (2). Last evaluated 2024-10-25.

Conditions:
Neurodevelopmental disorder with or without anomalies of the brain, eye, or heart (NEDBEH). Identifiers: Orphanet 494344, MedGen C5567477, MONDO:0014857, OMIM 616975.

Allele frequency attached by ClinVar (database versions not stated): gnomAD exomes 0.00001; TOPMed 0.00001; ExAC 0.00002; gnomAD 0.00002.
gnomAD v4.1: 23 of 1,523,534 alleles (0.0015%); highest among the groups gnomAD compares: East Asian, 0.0027%; no homozygotes.

Submissions (2):

Labcorp Genetics (formerly Invitae), Labcorp
Classification: Uncertain significance. Last evaluated: 2024-10-25. Review status: criteria provided, single submitter. Criteria: Invitae Variant Classification Sherloc (09022015). Collection method: clinical testing. Allele origin: germline.
Comment: This sequence change replaces valine, which is neutral and non-polar, with isoleucine, which is neutral and non-polar, at codon 1452 of the RERE protein (p.Val1452Ile). The frequency data for this variant in the population databases is considered unreliable, as metrics indicate poor data quality at this position in the gnomAD database. This variant has not been reported in the literature in individuals affected with RERE-related conditions. ClinVar contains an entry for this variant (Variation ID: 982578). Invitae Evidence Modeling of protein sequence and biophysical properties (such as structural, functional, and spatial information, amino acid conservation, physicochemical variation, residue mobility, and thermodynamic stability) has been performed for this missense variant. However, the output from this modeling did not meet the statistical confidence thresholds required to predict the impact of this variant on RERE protein function. In summary, the available evidence is currently insufficient to determine the role of this variant in disease. Therefore, it has been classified as a Variant of Uncertain Significance.

Institute of Human Genetics, University of Leipzig Medical Center
Classification: Uncertain significance for Neurodevelopmental disorder with or without anomalies of the brain, eye, or heart. Last evaluated: 2019-01-01. Review status: criteria provided, single submitter. Criteria: ACMG Guidelines, 2015. Collection method: clinical testing. Allele origin: unknown. Affected: yes.